The following is an entry in ClinVar:

ClinVar aggregate classification (germline): Likely benign (0 of 4 stars; one submission).

Conditions:
RAI1-related disorder. Also called: RAI1-related condition.

Submission:

PreventionGenetics, part of Exact Sciences
Classification: Likely benign for RAI1-related condition. Last evaluated: 2024-05-22. Review status: no assertion criteria provided. Collection method: clinical testing. Allele origin: germline.
Comment: This variant is classified as likely benign based on ACMG/AMP sequence variant interpretation guidelines (Richards et al. 2015 PMID: 25741868, with internal and published modifications).

NM_030665.4(RAI1):c.1455G>A (p.Gly485=)

Gene: RAI1 (retinoic acid induced 1; plus strand). Cytogenetic location: 17p11.2.
Variant type: single nucleotide variant.
Coding change: c.1455G>A on transcript NM_030665.4 (MANE Select); coding-DNA position 1455, G replaced by A.
Protein change: p.Gly485=; no amino-acid change (glycine 485 retained).
Molecular consequence: synonymous variant.
Genome position (GRCh38, 1-based): chr17:17,794,403, G>A. VCF-style: chr17-17794403-G-A. GRCh37 (hg19) VCF-style: chr17-17697717-G-A.
Identifiers: ClinVar variation 3347544 (VCV003347544.1).